The following is an entry in ClinVar:

ClinVar aggregate classification (germline): Benign/Likely benign. Review status: criteria provided, multiple submitters, no conflicts (2 of 4 stars). 11 submissions from 11 submitters: Benign (7); Likely benign (2). 2 of the submissions do not count toward it. Last evaluated 2026-06-01.

Conditions:
Cardiovascular phenotype. Identifiers: MedGen CN230736.
Noonan syndrome 9 (NS9). Identifiers: Orphanet 648, MedGen C4225282, MONDO:0014691, OMIM 616559.

Allele frequency attached by ClinVar (database versions not stated): 1000 Genomes Project 0.00120; 1000 Genomes Project 30x 0.00156; TOPMed 0.00310; gnomAD 0.00324 and 0.00350; ESP Exome Variant Server 0.00331; gnomAD exomes 0.00364 and 0.00469; ExAC 0.00418.
gnomAD v4.1: 7,263 of 1,614,132 alleles (0.45%); highest among the groups gnomAD compares: Non-Finnish European, 0.55%; 35 homozygotes.

Submissions (11):

CeGaT Center for Human Genetics Tuebingen
Classification: Likely benign. Last evaluated: 2026-06-01. Review status: criteria provided, single submitter. Criteria: CeGaT Center For Human Genetics Tuebingen Variant Classification Criteria Version 2. Collection method: clinical testing. Allele origin: germline. Affected: yes. Observed: 30 variant alleles.
Comment: SOS2: BP4, BP7, BS2

Labcorp Genetics (formerly Invitae), Labcorp
Classification: Benign for Noonan syndrome 9. Last evaluated: 2026-02-01. Review status: criteria provided, single submitter. Criteria: Invitae Variant Classification Sherloc (09022015). Collection method: clinical testing. Allele origin: germline.

Blueprint Genetics
Classification: Likely benign. Last evaluated: 2024-11-26. Review status: criteria provided, single submitter. Criteria: ACMG Guidelines, 2015. Collection method: clinical testing. Allele origin: germline.

Mayo Clinic Laboratories, Mayo Clinic
Classification: Benign. Last evaluated: 2024-06-25. Review status: criteria provided, single submitter. Criteria: ACMG Guidelines, 2015. Collection method: clinical testing. Allele origin: germline. Observed: 5 variant alleles.
Comment: BS1, BS2, BP4, BP7

ARUP Laboratories, Molecular Genetics and Genomics, ARUP Laboratories
Classification: Benign for Noonan syndrome 9. Last evaluated: 2023-10-02. Review status: criteria provided, single submitter. Criteria: ARUP Molecular Germline Variant Investigation Process 2024. Collection method: clinical testing. Allele origin: germline.

Ambry Genetics
Classification: Benign for Cardiovascular phenotype. Last evaluated: 2019-09-27. Review status: criteria provided, single submitter. Criteria: Ambry Variant Classification Scheme 2023. Collection method: clinical testing. Allele origin: germline.

Women's Health and Genetics/Laboratory Corporation of America, LabCorp
Classification: Benign. Last evaluated: 2017-04-12. Review status: criteria provided, single submitter. Criteria: LabCorp Variant Classification Summary - May 2015. Collection method: clinical testing. Allele origin: germline.
Comment: Variant summary: The SOS2 c.1344G>A (p.Leu448Leu) variant involves the alteration of a non-conserved nucleotide, resulting in a synonymous change. One in silico tool predicts a damaging outcome for this variant. 5/5 splice prediction tools predict no significant impact on normal splicing. However, these predictions have yet to be confirmed by functional studies. The variant of interest has been found in a large, broad control population, ExAC in 507/121406 control chromosomes (3 homozygotes) at a frequency of 0.0041761, which is approximately 1670 times the estimated maximal expected allele frequency of a pathogenic SOS2 variant (0.0000025), suggesting this variant is likely a benign polymorphism. In addition, one clinical diagnostic laboratory classified this variant as benign. The variant of interest has not, to our knowledge, been reported in affected individuals via publications but is cited as "Benign" by reputable database. Taken together, this variant is classified as benign.

GeneDx
Classification: Benign. Last evaluated: 2016-10-07. Review status: criteria provided, single submitter. Criteria: GeneDx Variant Classification (06012015). Collection method: clinical testing. Allele origin: germline. Affected: yes.
Comment: This variant is considered likely benign or benign based on one or more of the following criteria: it is a conservative change, it occurs at a poorly conserved position in the protein, it is predicted to be benign by multiple in silico algorithms, and/or has population frequency not consistent with disease.

Genome-Nilou Lab
Classification: Benign for Noonan syndrome 9. Review status: criteria provided, single submitter. Criteria: ACMG Guidelines, 2015. Collection method: clinical testing. Allele origin: germline.

Clinical Genetics, Academic Medical Center
Classification: Benign. Review status: no assertion criteria provided. Collection method: clinical testing. Allele origin: germline. Affected: yes. Study: VKGL Data-share Consensus. Not counted in ClinVar's aggregate classification.

Joint Genome Diagnostic Labs from Nijmegen and Maastricht, Radboudumc and MUMC+
Classification: Likely benign. Review status: no assertion criteria provided. Collection method: clinical testing. Allele origin: germline. Affected: yes. Study: VKGL Data-share Consensus. Not counted in ClinVar's aggregate classification.

NM_006939.4(SOS2):c.1344G>A (p.Leu448=)

Gene: SOS2 (SOS Ras/Rho guanine nucleotide exchange factor 2; minus strand). Cytogenetic location: 14q21.3.
Variant type: single nucleotide variant.
Coding change: c.1344G>A on transcript NM_006939.4 (MANE Select); coding-DNA position 1344, G replaced by A.
Protein change: p.Leu448=; no amino-acid change (leucine 448 retained).
Molecular consequence: synonymous variant.
Genome position (GRCh38, 1-based): chr14:50,159,939, C>T on the plus strand (G>A on the coding strand, the complement: SOS2 is on the minus strand). VCF-style: chr14-50159939-C-T. GRCh37 (hg19) VCF-style: chr14-50626657-C-T.
Other names: p.Leu448=.
Identifiers: ClinVar variation 389391 (VCV000389391.51), dbSNP rs35530861, ClinGen allele CA7177290.